The following is an entry in ClinVar:

ClinVar aggregate classification (germline): Uncertain significance (1 of 4 stars; one submission).

gnomAD v4.1: 8 of 1,604,436 alleles (0.0005%); highest among the groups gnomAD compares: South Asian, 0.0079%; 1 homozygote.

Submission:

Labcorp Genetics (formerly Invitae), Labcorp
Classification: Uncertain significance. Last evaluated: 2024-10-17. Review status: criteria provided, single submitter. Criteria: Invitae Variant Classification Sherloc (09022015). Collection method: clinical testing. Allele origin: germline.
Comment: This sequence change replaces valine, which is neutral and non-polar, with alanine, which is neutral and non-polar, at codon 848 of the KANK4 protein (p.Val848Ala). This variant is present in population databases (rs781337033, gnomAD 0.01%). This variant has not been reported in the literature in individuals affected with KANK4-related conditions. An algorithm developed to predict the effect of missense changes on protein structure and function (PolyPhen-2) suggests that this variant is likely to be tolerated. In summary, the available evidence is currently insufficient to determine the role of this variant in disease. Therefore, it has been classified as a Variant of Uncertain Significance.

NM_181712.5(KANK4):c.2543T>C (p.Val848Ala)

Gene: KANK4 (KN motif and ankyrin repeat domains 4; minus strand). Cytogenetic location: 1p31.3.
Variant type: single nucleotide variant.
Coding change: c.2543T>C on transcript NM_181712.5 (MANE Select); coding-DNA position 2543, T replaced by C.
Protein change: p.Val848Ala; replaces valine 848 with alanine.
Molecular consequence: missense variant.
Genome position (GRCh38, 1-based): chr1:62,253,206, A>G on the plus strand (T>C on the coding strand, the complement: KANK4 is on the minus strand). VCF-style: chr1-62253206-A-G. GRCh37 (hg19) VCF-style: chr1-62718878-A-G.
Other names: c.659T>C, p.Val220Ala (NM_001320269.2); short protein forms V220A, V848A.
Identifiers: ClinVar variation 3676959 (VCV003676959.2).